The following is an entry in ClinVar:

ClinVar aggregate classification (germline): Uncertain significance. Review status: criteria provided, multiple submitters, no conflicts (2 of 4 stars). 5 submissions from 4 submitters: Uncertain significance (5). Last evaluated 2025-06-09.

Conditions:
Inborn genetic diseases. Identifiers: MedGen C0950123, MeSH D030342.
Hereditary neutrophilia. Identifiers: Orphanet 279943, MedGen C0543669, MONDO:0008092, OMIM 162830.
Autosomal recessive severe congenital neutropenia due to CSF3R deficiency. Also called: Neutropenia, severe congenital, 7, autosomal recessive. Identifiers: Orphanet 420702, MedGen C4310764, MONDO:0014865, OMIM 617014.

Allele frequency attached by ClinVar (database versions not stated): TOPMed 0.00001; gnomAD 0.00003.
gnomAD v4.1: 11 of 1,606,916 alleles (0.00068%); highest among the groups gnomAD compares: Admixed American, 0.017%; no homozygotes.

Submissions (5):

Labcorp Genetics (formerly Invitae), Labcorp
Classification: Uncertain significance for Autosomal recessive severe congenital neutropenia due to CSF3R deficiency. Last evaluated: 2025-06-09. Review status: criteria provided, single submitter. Criteria: Invitae Variant Classification Sherloc (09022015). Collection method: clinical testing. Allele origin: germline.
Comment: This sequence change replaces isoleucine, which is neutral and non-polar, with valine, which is neutral and non-polar, at codon 35 of the CSF3R protein (p.Ile35Val). This variant is present in population databases (rs755370892, gnomAD 0.01%). This variant has not been reported in the literature in individuals affected with CSF3R-related conditions. ClinVar contains an entry for this variant (Variation ID: 626094). Invitae Evidence Modeling of protein sequence and biophysical properties (such as structural, functional, and spatial information, amino acid conservation, physicochemical variation, residue mobility, and thermodynamic stability) indicates that this missense variant is not expected to disrupt CSF3R protein function with a negative predictive value of 80%. In summary, the available evidence is currently insufficient to determine the role of this variant in disease. Therefore, it has been classified as a Variant of Uncertain Significance.

Ambry Genetics
Classification: Uncertain significance for Inborn genetic diseases. Last evaluated: 2024-06-17. Review status: criteria provided, single submitter. Criteria: Ambry Variant Classification Scheme 2023. Collection method: clinical testing. Allele origin: germline.

Blueprint Genetics
Classification: Uncertain significance. Last evaluated: 2018-11-02. Review status: criteria provided, single submitter. Criteria: ACMG Guidelines, 2015. Collection method: clinical testing. Allele origin: germline.

Center for Genomics, Ann and Robert H. Lurie Children's Hospital of Chicago
Classification: Uncertain significance for Autosomal recessive severe congenital neutropenia due to CSF3R deficiency. Last evaluated: 2018-03-13. Review status: criteria provided, single submitter. Criteria: ACMG Guidelines, 2015. Collection method: clinical testing. Allele origin: germline.
Comment: CSF3R NM_000760.3 exon 4 p.Ile35Val (c.103A>G): This variant has not been reported in the literature but is present in 5/34342 Latino alleles in the Genome Aggregation Database. This variant amino acid Valine (Val) is present in >10 species and is not well conserved among evolutionarily distant species; this suggests that this variant may not impact the protein. Additional computational prediction tools do not suggest an impact. In summary, data on this variant is insufficient for disease classification. Therefore, the clinical significance of this variant is uncertain.

Center for Genomics, Ann and Robert H. Lurie Children's Hospital of Chicago
Classification: Uncertain significance for Autosomal recessive severe congenital neutropenia due to CSF3R deficiency; Hereditary neutrophilia. Review status: criteria provided, single submitter. Criteria: ACMG Guidelines, 2015. Collection method: clinical testing. Allele origin: germline.
Comment: the same text as in the submission from Center for Genomics, Ann and Robert H. Lurie Children's Hospital of Chicago above.

NM_000760.4(CSF3R):c.103A>G (p.Ile35Val)

Gene: CSF3R (colony stimulating factor 3 receptor; minus strand). Cytogenetic location: 1p34.3.
Variant type: single nucleotide variant.
Coding change: c.103A>G on transcript NM_000760.4 (MANE Select); coding-DNA position 103, A replaced by G.
Protein change: p.Ile35Val; replaces isoleucine 35 with valine.
Molecular consequence: missense variant.
Genome position (GRCh38, 1-based): chr1:36,475,635, T>C on the plus strand (A>G on the coding strand, the complement: CSF3R is on the minus strand). VCF-style: chr1-36475635-T-C. GRCh37 (hg19) VCF-style: chr1-36941236-T-C.
Other names: c.103A>G, p.Ile35Val (LRG_144t1, NM_156039.3, NM_172313.3); short protein forms I35V.
Identifiers: ClinVar variation 626094 (VCV000626094.14), dbSNP rs755370892, ClinGen allele CA769566.